The following is an entry in ClinVar:

ClinVar aggregate classification (germline): Pathogenic (1 of 4 stars; one submission).

Conditions:
Nemaline myopathy 2 (NEM2). Also called: Nemaline myopathy 2, autosomal recessive. Identifiers: MedGen C1850569, MONDO:0009725, OMIM 256030.

Submission:

Labcorp Genetics (formerly Invitae), Labcorp
Classification: Pathogenic for Nemaline myopathy 2. Last evaluated: 2022-08-23. Review status: criteria provided, single submitter. Criteria: Invitae Variant Classification Sherloc (09022015). Collection method: clinical testing. Allele origin: germline.
Comment: This variant is not present in population databases (gnomAD no frequency). This sequence change creates a premature translational stop signal (p.Tyr6932Valfs*6) in the NEB gene. It is expected to result in an absent or disrupted protein product. Loss-of-function variants in NEB are known to be pathogenic (PMID: 25205138). This variant has not been reported in the literature in individuals affected with NEB-related conditions. For these reasons, this variant has been classified as Pathogenic.

Literature cited by the submitters: PubMed 25205138.

NM_001164508.2(NEB):c.20792dup (p.Tyr6932fs)

Gene: NEB (nebulin; minus strand). Cytogenetic location: 2q23.3.
Variant type: Duplication.
Coding change: c.20792dup on transcript NM_001164508.2 (MANE Select); coding-DNA position 20792, one base duplicated (A; older notation c.20792dupA).
Protein change: p.Tyr6932fs; shifts the reading frame from tyrosine 6932.
Molecular consequence: frameshift variant.
Genome position (GRCh38, 1-based): chr2:151,540,444, T duplicated on the plus strand (A on the coding strand, the reverse complement: NEB is on the minus strand); the first of 5 consecutive T bases (chr2:151,540,444-151,540,448); duplicating any one gives the same sequence. VCF-style (leftmost placement, unchanged base first): chr2-151540443-C-CT. GRCh37 (hg19) VCF-style: chr2-152396957-C-CT.
Other names: c.20792dup, p.Tyr6932fs (NM_001164507.2, NM_001271208.2); c.15689dup, p.Tyr5231fs (NM_004543.5); short protein forms Y6932fs, Y5231fs.
Identifiers: ClinVar variation 2146294 (VCV002146294.4), dbSNP rs2552155028, ClinGen allele CA2580063964.